The following is an entry in ClinVar:

ClinVar aggregate classification (germline): Benign/Likely benign. Review status: criteria provided, multiple submitters, no conflicts (2 of 4 stars). 9 submissions from 9 submitters: Benign (6); Likely benign (1). 2 of the submissions do not count toward it. Last evaluated 2026-02-02.

Conditions:
Gray platelet syndrome (GPS). Also called: BLEEDING DISORDER, PLATELET-TYPE, 4. Identifiers: Orphanet 721, MedGen C0272302, MONDO:0007686, OMIM 139090.

Allele frequency attached by ClinVar (database versions not stated): ESP Exome Variant Server 0.94886; 1000 Genomes Project 0.94928; gnomAD 0.95134 and 0.94785; ExAC 0.98735; gnomAD exomes 0.98853 and 0.99499; TOPMed 0.94460; 1000 Genomes Project 30x 0.94503.
gnomAD v4.1: 1,593,492 of 1,608,510 alleles (99%); highest among the groups gnomAD compares: East Asian, 100%; 790,373 homozygotes.

Submissions (9):

Labcorp Genetics (formerly Invitae), Labcorp
Classification: Benign. Last evaluated: 2026-02-02. Review status: criteria provided, single submitter. Criteria: Invitae Variant Classification Sherloc (09022015). Collection method: clinical testing. Allele origin: germline.

Blueprint Genetics
Classification: Likely benign. Last evaluated: 2024-11-26. Review status: criteria provided, single submitter. Criteria: ACMG Guidelines, 2015. Collection method: clinical testing. Allele origin: germline.

Genome-Nilou Lab
Classification: Benign for Gray platelet syndrome. Last evaluated: 2021-09-05. Review status: criteria provided, single submitter. Criteria: ACMG Guidelines, 2015. Collection method: clinical testing. Allele origin: germline. Affected: no.

GeneDx
Classification: Benign. Last evaluated: 2021-06-09. Review status: criteria provided, single submitter. Criteria: GeneDx Variant Classification Process June 2021. Collection method: clinical testing. Allele origin: germline. Affected: yes.

Illumina Laboratory Services, Illumina
Classification: Benign for Gray platelet syndrome. Last evaluated: 2018-01-12. Review status: criteria provided, single submitter. Criteria: ICSL Variant Classification Criteria 13 December 2019. Collection method: clinical testing. Allele origin: germline.
Comment: This variant was observed in the ICSL laboratory as part of a predisposition screen in an ostensibly healthy population. It had not been previously curated by ICSL or reported in the Human Gene Mutation Database (HGMD: prior to June 1st, 2018), and was therefore a candidate for classification through an automated scoring system. Utilizing variant allele frequency, disease prevalence and penetrance estimates, and inheritance mode, an automated score was calculated to assess if this variant is too frequent to cause the disease. Based on the score and internal cut-off values, a variant classified as benign is not then subjected to further curation. The score for this variant resulted in a classification of benign for this disease.

Breakthrough Genomics
Classification: Benign. Review status: criteria provided, single submitter. Criteria: ACMG Guidelines, 2015. Collection method: not provided. Allele origin: germline. Inheritance: Autosomal recessive inheritance. Affected: yes.

PreventionGenetics, part of Exact Sciences
Classification: Benign. Review status: criteria provided, single submitter. Criteria: ACMG Guidelines, 2015. Collection method: clinical testing. Allele origin: germline.

Diagnostic Laboratory, Department of Genetics, University Medical Center Groningen
Classification: Benign. Review status: no assertion criteria provided. Collection method: clinical testing. Allele origin: germline. Affected: yes. Study: VKGL Data-share Consensus. Not counted in ClinVar's aggregate classification.

Joint Genome Diagnostic Labs from Nijmegen and Maastricht, Radboudumc and MUMC+
Classification: Benign. Review status: no assertion criteria provided. Collection method: clinical testing. Allele origin: germline. Affected: yes. Study: VKGL Data-share Consensus. Not counted in ClinVar's aggregate classification.

NM_015175.3(NBEAL2):c.5302-13A>T

Gene: NBEAL2 (neurobeachin like 2; plus strand). Cytogenetic location: 3p21.31.
Variant type: single nucleotide variant.
Coding change: c.5302-13A>T on transcript NM_015175.3 (MANE Select); 13 bases into the intron before coding-DNA position 5302, A replaced by T.
Molecular consequence: intron variant.
Genome position (GRCh38, 1-based): chr3:47,002,632, A>T. VCF-style: chr3-47002632-A-T. GRCh37 (hg19) VCF-style: chr3-47044122-A-T.
Other names: c.5200-13A>T (NM_001365116.2).
Identifiers: ClinVar variation 260584 (VCV000260584.18), dbSNP rs11928558, ClinGen allele CA2361507.